The following is an entry in ClinVar:

ClinVar aggregate classification (germline): Pathogenic (1 of 4 stars; one submission).

Conditions:
Hypogonadotropic hypogonadism 8 with or without anosmia (HH8). Also called: HYPOGONADOTROPIC HYPOGONADISM 8 WITH ANOSMIA, SUSCEPTIBILITY TO; KISS1R-Related GnRH Deficiency. Identifiers: Orphanet 478, MedGen C3553841, MONDO:0013910, OMIM 614837.

Submission:

Women's Health and Genetics/Laboratory Corporation of America, LabCorp
Classification: Pathogenic for Hypogonadotropic hypogonadism 8 with or without anosmia. Last evaluated: 2023-10-11. Review status: criteria provided, single submitter. Criteria: LabCorp Variant Classification Summary - May 2015. Collection method: clinical testing. Allele origin: germline.
Comment: Variant summary: The variant identified by MLPA or other technology involves the deletion of exons 1-5 (i.e. the full coding sequence) of the KISS1R gene. Since the exact breakpoints of this deletion are not known, it might extend beyond the assayed region of the gene and include other flanking genes. A presumed nomenclature of c.(?_-171)_(*258_?)del has been designated for the purposes of this classification. The variant was absent in 21694 control chromosomes in the gnomAD database (structural variants dataset). To our knowledge, no occurrence of c.(?_-171)_(*258_?)del in individuals affected with Hypogonadotropic Hypogonadism 8 With Or Without Anosmia and no experimental evidence demonstrating its impact on protein function have been reported. No submitters have cited clinical-significance assessments for this variant to ClinVar after 2014. Based on the evidence outlined above, the variant was classified as pathogenic.

NC_000019.9:g.(?_917332)_(921006_?)del

Gene: KISS1R (KISS1 receptor; plus strand). Cytogenetic location: 19p13.3.
Variant type: Deletion.
Identifiers: ClinVar variation 2637681 (VCV002637681.1).